The following is an entry in ClinVar:

ClinVar aggregate classification (germline): Uncertain significance (1 of 4 stars; one submission).

Conditions:
Autosomal dominant mitochondrial myopathy with exercise intolerance (IMMD). Also called: Myopathy, isolated mitochondrial, autosomal dominant. Identifiers: Orphanet 457050, MedGen C4015513, MONDO:0014532, OMIM 616209.
Lower motor neuron syndrome with late-adult onset (SMAJ). Also called: Spinal muscular atrophy, Jokela type; Late-Onset Spinal Motor Neuronopathy (SMAJ). Identifiers: Orphanet 276435, MedGen C3554398, MONDO:0014025, OMIM 615048.
Frontotemporal dementia and/or amyotrophic lateral sclerosis 2. Also called: FTDALS2. Identifiers: Orphanet 275872, MedGen C4014648, MONDO:0014395, OMIM 615911.

Submission:

Labcorp Genetics (formerly Invitae), Labcorp
Classification: Uncertain significance for Spinal muscular atrophy, jokela type; Frontotemporal dementia and/or amyotrophic lateral sclerosis 2; Myopathy, isolated mitochondrial, autosomal dominant. Last evaluated: 2018-11-05. Review status: criteria provided, single submitter. Criteria: Invitae Variant Classification Sherloc (09022015). Collection method: clinical testing. Allele origin: germline.
Comment: This variant results in a copy number gain of the genomic region encompassing the full coding sequence of the CHCHD10 gene. The boundaries of this event are unknown as they extend beyond the assayed region for this gene and therefore may encompass additional genes. As the precise location of this event is unknown, it may be in tandem or it may be located elsewhere in the genome. This variant has not been reported in the literature in individuals with CHCHD10-related disease. In summary, the available evidence is currently insufficient to determine the role of this variant in disease. Therefore, it has been classified as a Variant of Uncertain Significance.

NC_000022.10:g.(?_24108174)_(24110081_?)dup

Gene: CHCHD10 (coiled-coil-helix-coiled-coil-helix domain containing 10; minus strand). Cytogenetic location: 22q11.23.
Variant type: Duplication.
Identifiers: ClinVar variation 473419 (VCV000473419.2).